The following is an entry in ClinVar:

NM_000245.4(MET):c.885T>G (p.Pro295=)

Gene: MET (MET proto-oncogene, receptor tyrosine kinase; plus strand). Cytogenetic location: 7q31.2.
Variant type: single nucleotide variant.
Coding change: c.885T>G on transcript NM_000245.4 (MANE Select); coding-DNA position 885, T replaced by G.
Protein change: p.Pro295=; no amino-acid change (proline 295 retained).
Molecular consequence: synonymous variant. On other transcripts: intron variant (1).
Genome position (GRCh38, 1-based): chr7:116,699,969, T>G. VCF-style: chr7-116699969-T-G. GRCh37 (hg19) VCF-style: chr7-116340023-T-G.
Other names: c.885T>G, p.Pro295= (NM_001127500.3, NM_001324401.3); c.-91+27392T>G (NM_001324402.2).
Identifiers: ClinVar variation 1995380 (VCV001995380.6), dbSNP rs2116600237, ClinGen allele CA457448085.

ClinVar aggregate classification (germline): Benign/Likely benign. Review status: criteria provided, multiple submitters, no conflicts (2 of 4 stars). 3 submissions from 3 submitters: Benign (1); Likely benign (2). Last evaluated 2024-12-27.

Conditions:
Renal cell carcinoma. Identifiers: Orphanet 217071, MedGen C0007134, MeSH D002292, MONDO:0005086, HP:0005584.
Papillary renal cell carcinoma type 1 (RCCP1). Also called: Renal adenocarcinoma; Renal cell carcinoma 1; Renal cell carcinoma, somatic; RENAL CELL CARCINOMA, PAPILLARY, 1, SOMATIC. Identifiers: Orphanet 47044, MedGen C1336839, OMIM 605074, HP:0011797.
Hereditary cancer-predisposing syndrome. Also called: Neoplastic Syndromes, Hereditary; Hereditary neoplastic syndrome; Tumor predisposition; Hereditary Cancer Syndrome. Identifiers: Orphanet 140162, MedGen C0027672, MeSH D009386, MONDO:0015356.

Allele frequency attached by ClinVar (database versions not stated): gnomAD exomes below 0.00001.
gnomAD v4.1: 1 of 1,614,044 alleles (0.000062%); highest among the groups gnomAD compares: Non-Finnish European, 0.000085%; no homozygotes.

Submissions (3):

Ambry Genetics
Classification: Likely benign for Hereditary cancer-predisposing syndrome. Last evaluated: 2024-12-27. Review status: criteria provided, single submitter. Criteria: Ambry Variant Classification Scheme 2023. Collection method: clinical testing. Allele origin: germline.

Myriad Genetics, Inc.
Classification: Benign for Papillary renal cell carcinoma type 1. Last evaluated: 2024-11-06. Review status: criteria provided, single submitter. Criteria: Myriad Autosomal Dominant, Autosomal Recessive and X-Linked Classification Criteria (2023). Collection method: clinical testing. Allele origin: unknown.
Comment: This variant is considered benign. This variant is a silent/synonymous amino acid change and it is not expected to impact splicing.

Labcorp Genetics (formerly Invitae), Labcorp
Classification: Likely benign for Renal cell carcinoma. Last evaluated: 2022-06-26. Review status: criteria provided, single submitter. Criteria: Invitae Variant Classification Sherloc (09022015). Collection method: clinical testing. Allele origin: germline.